The following is an entry in ClinVar:

NM_001267550.2(TTN):c.39295+2T>C

Gene: TTN (titin; minus strand). Cytogenetic location: 2q31.2.
Variant type: single nucleotide variant.
Coding change: c.39295+2T>C on transcript NM_001267550.2 (MANE Select); the canonical splice donor site of the intron after coding-DNA position 39295, T replaced by C.
Molecular consequence: splice donor variant. On other transcripts: intron variant (3).
Genome position (GRCh38, 1-based): chr2:178,652,094, A>G on the plus strand (T>C on the coding strand, the complement: TTN is on the minus strand). VCF-style: chr2-178652094-A-G. GRCh37 (hg19) VCF-style: chr2-179516821-A-G.
Other names: c.13283-9777T>C (NM_003319.4); c.13859-9777T>C (NM_133437.4); c.13658-9777T>C (NM_133432.3); c.31993+2T>C (NM_133378.4); c.34774+2T>C (NM_001256850.1).
Identifiers: ClinVar variation 1307831 (VCV001307831.2), dbSNP rs2154250350, ClinGen allele CA349458950.

ClinVar aggregate classification (germline): Uncertain significance (1 of 4 stars; one submission).

Submission:

GeneDx
Classification: Uncertain significance. Last evaluated: 2019-08-20. Review status: criteria provided, single submitter. Criteria: GeneDx Variant Classification Process June 2021. Collection method: clinical testing. Allele origin: germline. Affected: yes.
Comment: Not observed in large population cohorts (Lek et al., 2016); Canonical splice site variant in a gene for which loss-of-function is not a known mechanism of disease; Has not been previously published as pathogenic or benign to our knowledge